The following is an entry in ClinVar:

ClinVar aggregate classification (germline): Benign/Likely benign. Review status: criteria provided, multiple submitters, no conflicts (2 of 4 stars). 6 submissions from 6 submitters: Benign (3); Likely benign (1). 2 of the submissions do not count toward it. Last evaluated 2024-11-28.

Allele frequency attached by ClinVar (database versions not stated): 1000 Genomes Project 30x 0.00109; gnomAD 0.00125 and 0.00138; 1000 Genomes Project 0.00140; TOPMed 0.00146; ExAC 0.00160; ESP Exome Variant Server 0.00202.

Submissions (6):

Blueprint Genetics
Classification: Likely benign. Last evaluated: 2024-11-28. Review status: criteria provided, single submitter. Criteria: ACMG Guidelines, 2015. Collection method: clinical testing. Allele origin: germline.

Women's Health and Genetics/Laboratory Corporation of America, LabCorp
Classification: Benign. Last evaluated: 2019-11-25. Review status: criteria provided, single submitter. Criteria: LabCorp Variant Classification Summary - May 2015. Collection method: clinical testing. Allele origin: germline.
Comment: Variant summary: MAP2K2 c.*19C>T is located in the untranslated mRNA region downstream of the termination codon. The variant allele was found at a frequency of 0.0016 in 153956 control chromosomes (gnomAD). The observed variant frequency is approximately 655 fold of the estimated maximal expected allele frequency for a pathogenic variant in MAP2K2 causing Noonan Syndrome and Related Conditions phenotype (2.5e-06), strongly suggesting that the variant is benign. To our knowledge, no experimental evidence demonstrating its impact on protein function have been reported. No clinical diagnostic laboratories have submitted clinical-significance assessments for this variant to ClinVar after 2014. Based on the evidence outlined above, the variant was classified as benign.

GeneDx
Classification: Benign. Last evaluated: 2011-12-01. Review status: criteria provided, single submitter. Criteria: GeneDx Variant Classification (06012015). Collection method: clinical testing. Allele origin: germline. Affected: yes.
Comment: This variant is considered likely benign or benign based on one or more of the following criteria: it is a conservative change, it occurs at a poorly conserved position in the protein, it is predicted to be benign by multiple in silico algorithms, and/or has population frequency not consistent with disease.

Breakthrough Genomics
Classification: Benign. Review status: criteria provided, single submitter. Criteria: ACMG Guidelines, 2015. Collection method: not provided. Allele origin: germline. Inheritance: Autosomal dominant inheritance. Affected: yes.

Clinical Genetics, Academic Medical Center
Classification: Benign. Review status: no assertion criteria provided. Collection method: clinical testing. Allele origin: germline. Affected: yes. Study: VKGL Data-share Consensus. Not counted in ClinVar's aggregate classification.

Joint Genome Diagnostic Labs from Nijmegen and Maastricht, Radboudumc and MUMC+
Classification: Likely benign. Review status: no assertion criteria provided. Collection method: clinical testing. Allele origin: germline. Affected: yes. Study: VKGL Data-share Consensus. Not counted in ClinVar's aggregate classification.

NM_030662.3(MAP2K2):c.*19C>T

Gene: MAP2K2 (mitogen-activated protein kinase kinase 2; minus strand). Cytogenetic location: 19p13.3.
Variant type: single nucleotide variant.
Coding change: c.*19C>T on transcript NM_030662.3; 19 bases downstream of the stop codon, C replaced by T.
Molecular consequence: 3 prime UTR variant (on NM_030662.4).
Genome position (GRCh38, 1-based): chr19:4,090,579, G>A on the plus strand (C>T on the coding strand, the complement: MAP2K2 is on the minus strand). VCF-style: chr19-4090579-G-A. GRCh37 (hg19) VCF-style: chr19-4090577-G-A.
Other names: c.*19C>T (NM_030662.4).
Identifiers: ClinVar variation 138164 (VCV000138164.9), dbSNP rs145743390, ClinGen allele CA292004.
Genomic context (GRCh38, chr19:4,090,579, plus strand): 5'-CTGTCCTCAGCTGGAAGGGCGGGGCATGGACAGGGACGGTGGGCAGGTCACCAGCGGGAC[G>A]CAGGGAGCCCGGCCACTGTCACACGGCGGTGCGCGTGGGTGTGCCGGGCTGGTTCAGCCG-3'